The following is an entry in ClinVar:

NM_001253852.3(AP4B1):c.992_999del (p.Gln331fs)

Genes: AP4B1 (adaptor related protein complex 4 subunit beta 1; minus strand), AP4B1-AS1 (AP4B1 antisense RNA 1; plus strand). Cytogenetic location: 1p13.2.
Variant type: Deletion.
Coding change: c.992_999del on transcript NM_001253852.3 (MANE Select); coding-DNA positions 992 to 999, 8 bases deleted (AGAAAGTG; older notation c.992_999delAGAAAGTG).
Protein change: p.Gln331fs; shifts the reading frame from glutamine 331.
Molecular consequence: frameshift variant. On other transcripts: non-coding transcript variant (2).
Genome position (GRCh38, 1-based): chr1:113,900,019-113,900,026, CACTTTCT deleted on the plus strand (AGAAAGTG on the coding strand, the reverse complement: AP4B1 is on the minus strand). VCF-style (leftmost placement, unchanged base first): chr1-113900018-CCACTTTCT-C. GRCh37 (hg19) VCF-style: chr1-114442640-CCACTTTCT-C.
Other names: c.695_702del, p.Gln232fs (NM_001253853.3); c.488_495del, p.Gln163fs (NM_001308312.2); c.992_999del, p.Gln331fs (NM_006594.5); c.992_999delAGAAAGTG (NM_006594.5); short protein forms Q163fs, Q232fs, Q331fs.
Identifiers: ClinVar variation 2578580 (VCV002578580.28), dbSNP rs773840258, ClinGen allele CA1015956.

ClinVar aggregate classification (germline): Pathogenic/Likely pathogenic. Review status: criteria provided, multiple submitters, no conflicts (2 of 4 stars). 4 submissions from 4 submitters: Pathogenic (2); Likely pathogenic (2). Last evaluated 2025-10-22.

Conditions:
AP4B1-related disorder. Also called: AP4B1-related condition.
Hereditary spastic paraplegia 47. Also called: CEREBRAL PALSY, SPASTIC QUADRIPLEGIC, 5; Spastic paraplegia 47, autosomal recessive; adaptor protein 4 (AP-4) deficiency syndrome. Identifiers: Orphanet 280763, MedGen C3279738, MONDO:0013551, OMIM 614066.

Allele frequency attached by ClinVar (database versions not stated): ExAC 0.00002; gnomAD exomes 0.00002.

Submissions (4):

Women's Health and Genetics/Laboratory Corporation of America, LabCorp
Classification: Pathogenic for Hereditary spastic paraplegia 47. Last evaluated: 2025-10-22. Review status: criteria provided, single submitter. Criteria: LabCorp Variant Classification Summary - May 2015. Collection method: clinical testing. Allele origin: germline.
Comment: Variant summary: AP4B1 c.992_999delAGAAAGTG (p.Gln331ArgfsX5) results in a premature termination codon, predicted to cause a truncation of the encoded protein or absence of the protein due to nonsense mediated decay, which are commonly known mechanisms for disease. The variant allele was found at a frequency of 8e-06 in 251478 control chromosomes. To our knowledge, no occurrence of c.992_999delAGAAAGTG in individuals affected with AP4B1-related conditions and no experimental evidence demonstrating its impact on protein function have been reported. ClinVar contains an entry for this variant (Variation ID: 2578580). Based on the evidence outlined above, the variant was classified as pathogenic.

Fulgent Genetics
Classification: Likely pathogenic for Hereditary spastic paraplegia 47. Last evaluated: 2024-04-25. Review status: criteria provided, single submitter. Criteria: ACMG Guidelines, 2015. Collection method: clinical testing. Allele origin: germline.

CeGaT Center for Human Genetics Tuebingen
Classification: Pathogenic. Last evaluated: 2023-07-01. Review status: criteria provided, single submitter. Criteria: CeGaT Center For Human Genetics Tuebingen Variant Classification Criteria Version 2. Collection method: clinical testing. Allele origin: germline. Affected: yes. Observed: 1 variant allele.
Comment: AP4B1: PVS1, PM2

Blueprint Genetics
Classification: Likely pathogenic for AP4B1-related disorders. Last evaluated: 2022-02-10. Review status: criteria provided, single submitter. Criteria: ACMG Guidelines, 2015. Collection method: clinical testing. Allele origin: germline. Affected: yes. Observed: 1 variant allele.